The following is an entry in ClinVar:

NM_003906.5(MCM3AP):c.1220-1_1227del

Gene: MCM3AP (minichromosome maintenance complex component 3 associated protein; minus strand). Cytogenetic location: 21q22.3.
Variant type: Deletion.
Coding change: c.1220-1_1227del on transcript NM_003906.5 (MANE Select); the canonical splice acceptor site of the intron before coding-DNA position 1220 through coding-DNA position 1227, 9 bases deleted (GATTCTCTA; older notation c.1220-1_1227delGATTCTCTA).
Molecular consequence: splice acceptor variant.
Genome position (GRCh38, 1-based): chr21:46,283,831-46,283,839, TAGAGAATC deleted on the plus strand (GATTCTCTA on the coding strand, the reverse complement: MCM3AP is on the minus strand); deleting any 9 consecutive bases within chr21:46,283,831-46,283,842 gives the same sequence; the c. name uses the placement nearest the transcript's 3' end. VCF-style (leftmost placement, unchanged base first): chr21-46283830-TTAGAGAATC-T. GRCh37 (hg19) VCF-style: chr21-47703744-TTAGAGAATC-T.
Identifiers: ClinVar variation 2018450 (VCV002018450.4), dbSNP rs2517434063, ClinGen allele CA2580098983.

ClinVar aggregate classification (germline): Likely pathogenic (1 of 4 stars; one submission).

Submission:

Labcorp Genetics (formerly Invitae), Labcorp
Classification: Likely pathogenic. Last evaluated: 2022-08-31. Review status: criteria provided, single submitter. Criteria: Invitae Variant Classification Sherloc (09022015). Collection method: clinical testing. Allele origin: germline.
Comment: This sequence change affects a splice site in intron 1 of the MCM3AP gene. It is expected to disrupt RNA splicing. Variants that disrupt the donor or acceptor splice site typically lead to a loss of protein function (PMID: 16199547), and loss-of-function variants in MCM3AP are known to be pathogenic (PMID: 28633435). This variant is not present in population databases (gnomAD no frequency). This variant has not been reported in the literature in individuals affected with MCM3AP-related conditions. Algorithms developed to predict the effect of sequence changes on RNA splicing suggest that this variant may disrupt the consensus splice site. In summary, the currently available evidence indicates that the variant is pathogenic, but additional data are needed to prove that conclusively. Therefore, this variant has been classified as Likely Pathogenic.

Literature cited by the submitters: PubMed 16199547; PubMed 28633435.